The following is an entry in ClinVar:

ClinVar aggregate classification (germline): Uncertain significance (1 of 4 stars; one submission).

Conditions:
Inborn genetic diseases. Identifiers: MedGen C0950123, MeSH D030342.

Allele frequency attached by ClinVar (database versions not stated): gnomAD exomes below 0.00001; gnomAD 0.00001.
gnomAD v4.1: 2 of 1,613,666 alleles (0.00012%); highest among the groups gnomAD compares: Non-Finnish European, 0.00017%; no homozygotes.

Submission:

Ambry Genetics
Classification: Uncertain significance for Inborn genetic diseases. Last evaluated: 2021-11-02. Review status: criteria provided, single submitter. Criteria: Ambry Variant Classification Scheme 2023. Collection method: clinical testing. Allele origin: germline.
Comment: The p.Y1898C variant (also known as c.5693A>G), located in coding exon 39 of the LRRK2 gene, results from an A to G substitution at nucleotide position 5693. The tyrosine at codon 1898 is replaced by cysteine, an amino acid with highly dissimilar properties. This amino acid position is conserved. In addition, this alteration is predicted to be deleterious by in silico analysis. Since supporting evidence is limited at this time, the clinical significance of this alteration remains unclear.

NM_198578.4(LRRK2):c.5693A>G (p.Tyr1898Cys)

Gene: LRRK2 (leucine rich repeat kinase 2; plus strand). Cytogenetic location: 12q12.
Variant type: single nucleotide variant.
Coding change: c.5693A>G on transcript NM_198578.4 (MANE Select); coding-DNA position 5693, A replaced by G.
Protein change: p.Tyr1898Cys; replaces tyrosine 1898 with cysteine.
Molecular consequence: missense variant.
Genome position (GRCh38, 1-based): chr12:40,328,396, A>G. VCF-style: chr12-40328396-A-G. GRCh37 (hg19) VCF-style: chr12-40722198-A-G.
Other names: short protein forms Y1898C.
Identifiers: ClinVar variation 1749096 (VCV001749096.2), dbSNP rs1860363018, ClinGen allele CA384399512.